The following is an entry in ClinVar:

ClinVar aggregate classification (germline): Pathogenic (1 of 4 stars; one submission).

Submission:

Labcorp Genetics (formerly Invitae), Labcorp
Classification: Pathogenic. Last evaluated: 2024-07-07. Review status: criteria provided, single submitter. Criteria: Invitae Variant Classification Sherloc (09022015). Collection method: clinical testing. Allele origin: germline.
Comment: This sequence change affects a donor splice site in intron 4 of the RS1 gene. It is expected to disrupt RNA splicing. Variants that disrupt the donor or acceptor splice site typically lead to a loss of protein function (PMID: 16199547), and loss-of-function variants in RS1 are known to be pathogenic (PMID: 9618178, 17172462). This variant is not present in population databases (gnomAD no frequency). Disruption of this splice site has been observed in individuals with X-linked retinoschisis (PMID: 9618178, 29099798; Invitae). ClinVar contains an entry for this variant (Variation ID: 1371978). Algorithms developed to predict the effect of sequence changes on RNA splicing suggest that this variant may disrupt the consensus splice site. For these reasons, this variant has been classified as Pathogenic.

Literature cited by the submitters: PubMed 16199547; PubMed 9618178; PubMed 17172462; PubMed 29099798.

NM_000330.4(RS1):c.326+1G>T

Genes: CDKL5 (cyclin dependent kinase like 5; plus strand), RS1 (retinoschisin 1; minus strand). Cytogenetic location: Xp22.13.
Variant type: single nucleotide variant.
Coding change: c.326+1G>T on transcript NM_000330.4 (MANE Select); the canonical splice donor site of the intron after coding-DNA position 326, G replaced by T.
Molecular consequence: splice donor variant. On other transcripts: intron variant (2).
Genome position (GRCh38, 1-based): chrX:18,647,190, C>A on the plus strand (G>T on the coding strand, the complement: RS1 is on the minus strand). VCF-style: chrX-18647190-C-A. GRCh37 (hg19) VCF-style: chrX-18665310-C-A.
Other names: c.2797+1100C>A (NM_003159.3, NM_001037343.2).
Identifiers: ClinVar variation 1371978 (VCV001371978.7), dbSNP rs281865346, ClinGen allele CA412372634.